The following is an entry in ClinVar:

ClinVar aggregate classification (germline): Uncertain significance (1 of 4 stars; one submission).

Conditions:
Norman-Roberts syndrome (LIS2). Also called: Lissencephaly 2 (Norman-Roberts type). Identifiers: Orphanet 89844, MedGen C0796089, MONDO:0009760, OMIM 257320.
Familial temporal lobe epilepsy 7. Identifiers: Orphanet 101046, MedGen C4225327, MONDO:0014639, OMIM 616436.

Submission:

Labcorp Genetics (formerly Invitae), Labcorp
Classification: Uncertain significance for Familial temporal lobe epilepsy 7; Norman-Roberts syndrome. Last evaluated: 2023-10-08. Review status: criteria provided, single submitter. Criteria: Invitae Variant Classification Sherloc (09022015). Collection method: clinical testing. Allele origin: germline.
Comment: This sequence change replaces tryptophan, which is neutral and slightly polar, with leucine, which is neutral and non-polar, at codon 2845 of the RELN protein (p.Trp2845Leu). This variant is not present in population databases (gnomAD no frequency). This variant has not been reported in the literature in individuals affected with RELN-related conditions. Advanced modeling of protein sequence and biophysical properties (such as structural, functional, and spatial information, amino acid conservation, physicochemical variation, residue mobility, and thermodynamic stability) performed at Invitae indicates that this missense variant is not expected to disrupt RELN protein function. In summary, the available evidence is currently insufficient to determine the role of this variant in disease. Therefore, it has been classified as a Variant of Uncertain Significance.

NM_005045.4(RELN):c.8534G>T (p.Trp2845Leu)

Genes: SLC26A5-AS1 (SLC26A5 antisense RNA 1; plus strand), RELN (reelin; minus strand). Cytogenetic location: 7q22.1.
Variant type: single nucleotide variant.
Coding change: c.8534G>T on transcript NM_005045.4 (MANE Select); coding-DNA position 8534, G replaced by T.
Protein change: p.Trp2845Leu; replaces tryptophan 2845 with leucine.
Molecular consequence: missense variant.
Genome position (GRCh38, 1-based): chr7:103,500,878, C>A on the plus strand (G>T on the coding strand, the complement: RELN is on the minus strand). VCF-style: chr7-103500878-C-A. GRCh37 (hg19) VCF-style: chr7-103141325-C-A.
Other names: c.8534G>T, p.Trp2845Leu (NM_173054.3); short protein forms W2845L.
Identifiers: ClinVar variation 2952672 (VCV002952672.3), dbSNP rs2484709882, ClinGen allele CA368755936.